The following is an entry in ClinVar:

ClinVar aggregate classification (germline): Uncertain significance. Review status: criteria provided, multiple submitters, no conflicts (2 of 4 stars). 2 submissions from 2 submitters: Uncertain significance (2). Last evaluated 2025-05-16.

Allele frequency attached by ClinVar (database versions not stated): gnomAD 0.00001; gnomAD exomes 0.00001; TOPMed 0.00001; ExAC 0.00002.

Submissions (2):

Labcorp Genetics (formerly Invitae), Labcorp
Classification: Uncertain significance. Last evaluated: 2025-05-16. Review status: criteria provided, single submitter. Criteria: Invitae Variant Classification Sherloc (09022015). Collection method: clinical testing. Allele origin: germline.
Comment: This sequence change replaces glutamic acid, which is acidic and polar, with lysine, which is basic and polar, at codon 25 of the RHO protein (p.Glu25Lys). This variant is present in population databases (rs774425557, gnomAD 0.003%). This variant has not been reported in the literature in individuals affected with RHO-related conditions. ClinVar contains an entry for this variant (Variation ID: 1056861). Invitae Evidence Modeling of protein sequence and biophysical properties (such as structural, functional, and spatial information, amino acid conservation, physicochemical variation, residue mobility, and thermodynamic stability) has been performed for this missense variant. However, the output from this modeling did not meet the statistical confidence thresholds required to predict the impact of this variant on RHO protein function. In summary, the available evidence is currently insufficient to determine the role of this variant in disease. Therefore, it has been classified as a Variant of Uncertain Significance.

Blueprint Genetics
Classification: Uncertain significance. Last evaluated: 2020-03-25. Review status: criteria provided, single submitter. Criteria: ACMG Guidelines, 2015. Collection method: clinical testing. Allele origin: germline.

NM_000539.3(RHO):c.73G>A (p.Glu25Lys)

Gene: RHO (rhodopsin; plus strand). Cytogenetic location: 3q22.1.
Variant type: single nucleotide variant.
Coding change: c.73G>A on transcript NM_000539.3 (MANE Select); coding-DNA position 73, G replaced by A.
Protein change: p.Glu25Lys; replaces glutamic acid 25 with lysine.
Molecular consequence: missense variant.
Genome position (GRCh38, 1-based): chr3:129,528,806, G>A. VCF-style: chr3-129528806-G-A. GRCh37 (hg19) VCF-style: chr3-129247649-G-A.
Other names: short protein forms E25K.
Identifiers: ClinVar variation 1056861 (VCV001056861.10), dbSNP rs774425557, ClinGen allele CA2607056.